The following is an entry in ClinVar:

ClinVar aggregate classification (germline): Likely pathogenic. Review status: criteria provided, multiple submitters, no conflicts (2 of 4 stars). 2 submissions from 2 submitters: Likely pathogenic (2). Last evaluated 2023-02-22.

Conditions:
Hereditary cancer-predisposing syndrome. Also called: Hereditary Cancer Syndrome; Hereditary neoplastic syndrome; Neoplastic Syndromes, Hereditary; Tumor predisposition. Identifiers: Orphanet 140162, MedGen C0027672, MeSH D009386, MONDO:0015356.
Microcephaly, normal intelligence and immunodeficiency (NBS). Also called: Ataxia telangiectasia variant V1; IMMUNODEFICIENCY, MICROCEPHALY, AND CHROMOSOMAL INSTABILITY; SEEMANOVA SYNDROME II; Nijmegen breakage syndrome; Microcephaly with normal intelligence immunodeficiency and lymphoreticular malignancies; Nonsyndromal microcephaly autosomal recessive with normal intelligence. Identifiers: Orphanet 647, MedGen C0398791, MONDO:0009623, OMIM 251260.

Allele frequency attached by ClinVar (database versions not stated): gnomAD exomes below 0.00001.
gnomAD v4.1: 1 of 1,599,346 alleles (0.000063%); no homozygotes.

Submissions (2):

Ambry Genetics
Classification: Likely pathogenic for Hereditary cancer-predisposing syndrome. Last evaluated: 2023-02-22. Review status: criteria provided, single submitter. Criteria: Ambry Variant Classification Scheme 2023. Collection method: clinical testing. Allele origin: germline.
Comment: The c.584+1G>A intronic variant results from a G to A substitution one nucleotide after coding exon 5 of the NBN gene. In silico splice site analysis predicts that this alteration will weaken the native splice donor site. Alterations that disrupt the canonical splice site are expected to cause aberrant splicing, resulting in an abnormal protein or a transcript that is subject to nonsense-mediated mRNA decay. RNA studies have demonstrated that this alteration results in abnormal splicing in the set of samples tested (Ambry internal data). As such, this alteration is classified as likely pathogenic.

Labcorp Genetics (formerly Invitae), Labcorp
Classification: Likely pathogenic for Microcephaly, normal intelligence and immunodeficiency. Last evaluated: 2022-09-23. Review status: criteria provided, single submitter. Criteria: Invitae Variant Classification Sherloc (09022015). Collection method: clinical testing. Allele origin: germline.
Comment: In summary, the currently available evidence indicates that the variant is pathogenic, but additional data are needed to prove that conclusively. Therefore, this variant has been classified as Likely Pathogenic. Studies have shown that disruption of this splice site results in skipping of exon 5 and introduces a premature termination codon (Invitae). The resulting mRNA is expected to undergo nonsense-mediated decay. ClinVar contains an entry for this variant (Variation ID: 924485). This variant has not been reported in the literature in individuals affected with NBN-related conditions. This variant is not present in population databases (gnomAD no frequency). This sequence change affects a donor splice site in intron 5 of the NBN gene. RNA analysis indicates that disruption of this splice site induces altered splicing and may result in an absent or disrupted protein product.

NM_002485.5(NBN):c.584+1G>A

Gene: NBN (nibrin; minus strand). Cytogenetic location: 8q21.3.
Variant type: single nucleotide variant.
Coding change: c.584+1G>A on transcript NM_002485.5 (MANE Select); the canonical splice donor site of the intron after coding-DNA position 584, G replaced by A.
Molecular consequence: splice donor variant.
Genome position (GRCh38, 1-based): chr8:89,978,219, C>T on the plus strand (G>A on the coding strand, the complement: NBN is on the minus strand). VCF-style: chr8-89978219-C-T. GRCh37 (hg19) VCF-style: chr8-90990447-C-T.
Other names: c.338+1G>A (NM_001024688.3).
Identifiers: ClinVar variation 924485 (VCV000924485.12), dbSNP rs1811862598, ClinGen allele CA371660058.